The following is an entry in ClinVar:

ClinVar aggregate classification (germline): Uncertain significance. Review status: criteria provided, multiple submitters, no conflicts (2 of 4 stars). 2 submissions from 2 submitters: Uncertain significance (2). Last evaluated 2024-09-20.

Allele frequency attached by ClinVar (database versions not stated): ExAC 0.00005; gnomAD exomes 0.00005 and 0.00007; gnomAD 0.00011; TOPMed 0.00020; 1000 Genomes Project 30x 0.00031; 1000 Genomes Project 0.00040.
gnomAD v4.1: 96 of 1,611,712 alleles (0.006%); highest among the groups gnomAD compares: Admixed American, 0.035%; no homozygotes.

Submissions (2):

Blueprint Genetics
Classification: Uncertain significance. Last evaluated: 2024-09-20. Review status: criteria provided, single submitter. Criteria: ACMG Guidelines, 2015. Collection method: clinical testing. Allele origin: germline.

Labcorp Genetics (formerly Invitae), Labcorp
Classification: Uncertain significance. Last evaluated: 2022-07-30. Review status: criteria provided, single submitter. Criteria: Invitae Variant Classification Sherloc (09022015). Collection method: clinical testing. Allele origin: germline.
Comment: This sequence change replaces glycine, which is neutral and non-polar, with arginine, which is basic and polar, at codon 1713 of the KIAA1549 protein (p.Gly1713Arg). This variant is present in population databases (rs191771685, gnomAD 0.03%). This variant has not been reported in the literature in individuals affected with KIAA1549-related conditions. ClinVar contains an entry for this variant (Variation ID: 852355). Algorithms developed to predict the effect of missense changes on protein structure and function (SIFT, PolyPhen-2, Align-GVGD) all suggest that this variant is likely to be disruptive. In summary, the available evidence is currently insufficient to determine the role of this variant in disease. Therefore, it has been classified as a Variant of Uncertain Significance.

NM_001164665.2(KIAA1549):c.5137G>A (p.Gly1713Arg)

Gene: KIAA1549 (KIAA1549; minus strand). Cytogenetic location: 7q34.
Variant type: single nucleotide variant.
Coding change: c.5137G>A on transcript NM_001164665.2 (MANE Select); coding-DNA position 5137, G replaced by A.
Protein change: p.Gly1713Arg; replaces glycine 1713 with arginine.
Molecular consequence: missense variant.
Genome position (GRCh38, 1-based): chr7:138,861,249, C>T on the plus strand (G>A on the coding strand, the complement: KIAA1549 is on the minus strand). VCF-style: chr7-138861249-C-T. GRCh37 (hg19) VCF-style: chr7-138545995-C-T.
Other names: c.5137G>A, p.Gly1713Arg (NM_020910.3); short protein forms G1713R.
Identifiers: ClinVar variation 852355 (VCV000852355.6), dbSNP rs191771685, ClinGen allele CA4505649.